The following is an entry in ClinVar:

NM_144991.3(TSPEAR):c.1280G>A (p.Trp427Ter)

Gene: TSPEAR (thrombospondin type laminin G domain and EAR repeats; minus strand). Cytogenetic location: 21q22.3.
Variant type: single nucleotide variant.
Coding change: c.1280G>A on transcript NM_144991.3 (MANE Select); coding-DNA position 1280, G replaced by A.
Protein change: p.Trp427Ter; replaces tryptophan 427 with a stop codon.
Molecular consequence: nonsense.
Genome position (GRCh38, 1-based): chr21:44,525,709, C>T on the plus strand (G>A on the coding strand, the complement: TSPEAR is on the minus strand). VCF-style: chr21-44525709-C-T. GRCh37 (hg19) VCF-style: chr21-45945592-C-T.
Other names: c.1076G>A, p.Trp359Ter (NM_001272037.2); short protein forms W359*, W427*.
Identifiers: ClinVar variation 3009329 (VCV003009329.4), dbSNP rs1375707474, ClinGen allele CA410439278.

ClinVar aggregate classification (germline): Pathogenic. Review status: criteria provided, multiple submitters, no conflicts (2 of 4 stars). 2 submissions from 2 submitters: Pathogenic (2). Last evaluated 2024-05-10.

Conditions:
TSPEAR-related disorder. Also called: TSPEAR-related condition.

Allele frequency attached by ClinVar (database versions not stated): TOPMed below 0.00001; gnomAD 0.00001; gnomAD exomes 0.00002.
gnomAD v4.1: 23 of 1,614,118 alleles (0.0014%); highest among the groups gnomAD compares: Non-Finnish European, 0.0019%; no homozygotes.

Submissions (2):

Blueprint Genetics
Classification: Pathogenic for TSPEAR-related disorders. Last evaluated: 2024-05-10. Review status: criteria provided, single submitter. Criteria: ACMG Guidelines, 2015. Collection method: clinical testing. Allele origin: germline. Affected: yes. Observed: 2 variant alleles.

Labcorp Genetics (formerly Invitae), Labcorp
Classification: Pathogenic. Last evaluated: 2023-12-19. Review status: criteria provided, single submitter. Criteria: Invitae Variant Classification Sherloc (09022015). Collection method: clinical testing. Allele origin: germline.
Comment: This sequence change creates a premature translational stop signal (p.Trp427*) in the TSPEAR gene. It is expected to result in an absent or disrupted protein product. Loss-of-function variants in TSPEAR are known to be pathogenic (PMID: 34042254). This variant is present in population databases (no rsID available, gnomAD 0.0009%). This premature translational stop signal has been observed in individual(s) with ectodermal dysplasia and tooth agenesis (PMID: 34556655). For these reasons, this variant has been classified as Pathogenic.

Literature cited by the submitters: PubMed 34042254 (cited by Labcorp Genetics (formerly Invitae), Labcorp); PubMed 34556655 (cited by Labcorp Genetics (formerly Invitae), Labcorp).